The following is an entry in ClinVar:

ClinVar aggregate classification (germline): Uncertain significance (1 of 4 stars; one submission).

Conditions:
ANKZF1-related disorder. Also called: ANKZF1-related condition.

gnomAD v4.1: 6 of 1,614,248 alleles (0.00037%); highest among the groups gnomAD compares: Non-Finnish European, 0.00051%; no homozygotes.

Submission:

PreventionGenetics, part of Exact Sciences
Classification: Uncertain significance for ANKZF1-related condition. Last evaluated: 2025-06-30. Review status: criteria provided, single submitter. Criteria: ACMG Guidelines, 2015. Collection method: clinical testing. Allele origin: germline.
Comment: The ANKZF1 c.737A>G variant is predicted to result in the amino acid substitution p.Gln246Arg. To our knowledge, this variant has not been reported in the literature or in a large population database (gnomAD), indicating this variant is rare. At this time, the clinical significance of this variant is uncertain due to the absence of conclusive functional and genetic evidence.

NM_018089.3(ANKZF1):c.737A>G (p.Gln246Arg)

Gene: ANKZF1 (ankyrin repeat and zinc finger peptidyl tRNA hydrolase 1; plus strand). Cytogenetic location: 2q35.
Variant type: single nucleotide variant.
Coding change: c.737A>G on transcript NM_018089.3 (MANE Select); coding-DNA position 737, A replaced by G.
Protein change: p.Gln246Arg; replaces glutamine 246 with arginine.
Molecular consequence: missense variant.
Genome position (GRCh38, 1-based): chr2:219,233,351, A>G. VCF-style: chr2-219233351-A-G. GRCh37 (hg19) VCF-style: chr2-220098073-A-G.
Other names: c.737A>G, p.Gln246Arg (NM_001042410.2); c.107A>G, p.Gln36Arg (NM_001282792.2); short protein forms Q36R, Q246R.
Identifiers: ClinVar variation 5001350 (VCV005001350.1).